The following is an entry in ClinVar:

NM_005032.7(PLS3):c.460G>A (p.Asp154Asn)

Gene: PLS3 (plastin 3; plus strand). Cytogenetic location: Xq23.
Variant type: single nucleotide variant.
Coding change: c.460G>A on transcript NM_005032.7 (MANE Select); coding-DNA position 460, G replaced by A.
Protein change: p.Asp154Asn; replaces aspartic acid 154 with asparagine.
Molecular consequence: missense variant.
Genome position (GRCh38, 1-based): chrX:115,629,927, G>A. VCF-style: chrX-115629927-G-A. GRCh37 (hg19) VCF-style: chrX-114864239-G-A.
Other names: c.460G>A, p.Asp154Asn (NM_001136025.5, NM_001440791.1, NM_001440792.1); c.379G>A, p.Asp127Asn (NM_001172335.3); c.394G>A, p.Asp132Asn (NM_001282337.2); c.325G>A, p.Asp109Asn (NM_001282338.2); short protein forms D154N, D109N, D132N, D127N.
Identifiers: ClinVar variation 4695616 (VCV004695616.1).

ClinVar aggregate classification (germline): Uncertain significance (1 of 4 stars; one submission).

gnomAD v4.1: 1 of 1,185,581 alleles (0.000084%); highest among the groups gnomAD compares: Non-Finnish European, 0.00011%; no homozygotes.

Submission:

Labcorp Genetics (formerly Invitae), Labcorp
Classification: Uncertain significance. Last evaluated: 2025-04-11. Review status: criteria provided, single submitter. Criteria: Invitae Variant Classification Sherloc (09022015). Collection method: clinical testing. Allele origin: germline.
Comment: This sequence change replaces aspartic acid, which is acidic and polar, with asparagine, which is neutral and polar, at codon 154 of the PLS3 protein (p.Asp154Asn). This variant is not present in population databases (gnomAD no frequency). This variant has not been reported in the literature in individuals affected with PLS3-related conditions. Invitae Evidence Modeling of protein sequence and biophysical properties (such as structural, functional, and spatial information, amino acid conservation, physicochemical variation, residue mobility, and thermodynamic stability) indicates that this missense variant is not expected to disrupt PLS3 protein function with a negative predictive value of 80%. In summary, the available evidence is currently insufficient to determine the role of this variant in disease. Therefore, it has been classified as a Variant of Uncertain Significance.